The following is an entry in ClinVar:

NM_031935.3(HMCN1):c.13950G>C (p.Gln4650His)

Gene: HMCN1 (hemicentin 1; plus strand). Cytogenetic location: 1q31.1.
Variant type: single nucleotide variant.
Coding change: c.13950G>C on transcript NM_031935.3 (MANE Select); coding-DNA position 13950, G replaced by C.
Protein change: p.Gln4650His; replaces glutamine 4650 with histidine.
Molecular consequence: missense variant.
Genome position (GRCh38, 1-based): chr1:186,144,198, G>C. VCF-style: chr1-186144198-G-C. GRCh37 (hg19) VCF-style: chr1-186113330-G-C.
Other names: short protein forms Q4650H.
Identifiers: ClinVar variation 294271 (VCV000294271.16), dbSNP rs74136049, ClinGen allele CA1294825.

ClinVar aggregate classification (germline): Benign/Likely benign. Review status: criteria provided, multiple submitters, no conflicts (2 of 4 stars). 5 submissions from 5 submitters: Benign (4); Likely benign (1). Last evaluated 2026-02-01.

Conditions:
Age related macular degeneration 1 (ARMD1). Also called: MACULOPATHY, AGE-RELATED, 1. Identifiers: MedGen C1864205, MONDO:0011285, OMIM 603075.

Allele frequency attached by ClinVar (database versions not stated): gnomAD exomes 0.00056 and 0.00145; ExAC 0.00180; gnomAD 0.00450 and 0.00474; ESP Exome Variant Server 0.00507; TOPMed 0.00509; 1000 Genomes Project 0.00659; 1000 Genomes Project 30x 0.00718.
gnomAD v4.1: 1,568 of 1,610,000 alleles (0.097%); highest among the groups gnomAD compares: African/African-American, 1.4%; 11 homozygotes.

Submissions (5):

Labcorp Genetics (formerly Invitae), Labcorp
Classification: Benign. Last evaluated: 2026-02-01. Review status: criteria provided, single submitter. Criteria: Invitae Variant Classification Sherloc (09022015). Collection method: clinical testing. Allele origin: germline.

Blueprint Genetics
Classification: Likely benign. Last evaluated: 2024-11-22. Review status: criteria provided, single submitter. Criteria: ACMG Guidelines, 2015. Collection method: clinical testing. Allele origin: germline.

Genome-Nilou Lab
Classification: Benign for Age related macular degeneration 1. Last evaluated: 2023-04-11. Review status: criteria provided, single submitter. Criteria: ACMG Guidelines, 2015. Collection method: clinical testing. Allele origin: germline. Affected: no.

Illumina Laboratory Services, Illumina
Classification: Benign for Age related macular degeneration 1. Last evaluated: 2018-01-13. Review status: criteria provided, single submitter. Criteria: ICSL Variant Classification Criteria 13 December 2019. Collection method: clinical testing. Allele origin: germline.
Comment: This variant was observed in the ICSL laboratory as part of a predisposition screen in an ostensibly healthy population. It had not been previously curated by ICSL or reported in the Human Gene Mutation Database (HGMD: prior to June 1st, 2018), and was therefore a candidate for classification through an automated scoring system. Utilizing variant allele frequency, disease prevalence and penetrance estimates, and inheritance mode, an automated score was calculated to assess if this variant is too frequent to cause the disease. Based on the score and internal cut-off values, a variant classified as benign is not then subjected to further curation. The score for this variant resulted in a classification of benign for this disease.

Breakthrough Genomics
Classification: Benign. Review status: criteria provided, single submitter. Criteria: ACMG Guidelines, 2015. Collection method: not provided. Allele origin: germline. Inheritance: Autosomal dominant inheritance. Affected: yes.